The following is an entry in ClinVar:

NM_015202.5(KATNIP):c.2636C>T (p.Ser879Phe)

Gene: KATNIP (katanin interacting protein; plus strand). Cytogenetic location: 16p12.1.
Variant type: single nucleotide variant.
Coding change: c.2636C>T on transcript NM_015202.5 (MANE Select); coding-DNA position 2636, C replaced by T.
Protein change: p.Ser879Phe; replaces serine 879 with phenylalanine.
Molecular consequence: missense variant.
Genome position (GRCh38, 1-based): chr16:27,749,596, C>T. VCF-style: chr16-27749596-C-T. GRCh37 (hg19) VCF-style: chr16-27760917-C-T.
Other names: c.2636C>T (NM_015202.2); short protein forms S879F.
Identifiers: ClinVar variation 2049184 (VCV002049184.2), dbSNP rs200882000, ClinGen allele CA7978022.

ClinVar aggregate classification (germline): Uncertain significance. Review status: criteria provided, multiple submitters, no conflicts (2 of 4 stars). 2 submissions from 2 submitters: Uncertain significance (2). Last evaluated 2024-11-11.

Allele frequency attached by ClinVar (database versions not stated): ESP Exome Variant Server 0.00008; TOPMed 0.00008; gnomAD 0.00013; ExAC 0.00016; gnomAD exomes 0.00024.
gnomAD v4.1: 332 of 1,530,292 alleles (0.022%); highest among the groups gnomAD compares: Non-Finnish European, 0.028%; no homozygotes.

Submissions (2):

Ambry Genetics
Classification: Uncertain significance. Last evaluated: 2024-11-11. Review status: criteria provided, single submitter. Criteria: Ambry Variant Classification Scheme 2023. Collection method: clinical testing. Allele origin: germline.

Labcorp Genetics (formerly Invitae), Labcorp
Classification: Uncertain significance. Last evaluated: 2022-05-14. Review status: criteria provided, single submitter. Criteria: Invitae Variant Classification Sherloc (09022015). Collection method: clinical testing. Allele origin: germline.
Comment: This sequence change replaces serine, which is neutral and polar, with phenylalanine, which is neutral and non-polar, at codon 879 of the KIAA0556 protein (p.Ser879Phe). This variant is present in population databases (rs200882000, gnomAD 0.04%). This variant has not been reported in the literature in individuals affected with KIAA0556-related conditions. Algorithms developed to predict the effect of missense changes on protein structure and function are either unavailable or do not agree on the potential impact of this missense change (SIFT: "Deleterious"; PolyPhen-2: "Possibly Damaging"; Align-GVGD: "Class C0"). In summary, the available evidence is currently insufficient to determine the role of this variant in disease. Therefore, it has been classified as a Variant of Uncertain Significance.